The following is an entry in ClinVar:

ClinVar aggregate classification (germline): Benign. Review status: criteria provided, multiple submitters, no conflicts (2 of 4 stars). 3 submissions from 3 submitters: Benign (3). Last evaluated 2026-02-04.

Conditions:
Retinitis pigmentosa (RP). Identifiers: Orphanet 791, MedGen C0035334, MeSH D012174, MONDO:0019200, OMIM 268000. Inheritance: Autosomal dominant, autosomal recessive and X linked inheritance.

Allele frequency attached by ClinVar (database versions not stated): ESP Exome Variant Server 0.00356; gnomAD 0.00856 and 0.01035; TOPMed 0.01332; ExAC 0.02131; 1000 Genomes Project 30x 0.02717; 1000 Genomes Project 0.02796.

Submissions (11):

Labcorp Genetics (formerly Invitae), Labcorp
Classification: Benign. Last evaluated: 2026-02-04. Review status: criteria provided, single submitter. Criteria: Invitae Variant Classification Sherloc (09022015). Collection method: clinical testing. Allele origin: germline.

Illumina Laboratory Services, Illumina
Classification: Benign for Retinitis pigmentosa. Last evaluated: 2018-01-13. Review status: criteria provided, single submitter. Criteria: ICSL Variant Classification Criteria 13 December 2019. Collection method: clinical testing. Allele origin: germline.
Comment: This variant was observed in the ICSL laboratory as part of a predisposition screen in an ostensibly healthy population. It had not been previously curated by ICSL or reported in the Human Gene Mutation Database (HGMD: prior to June 1st, 2018), and was therefore a candidate for classification through an automated scoring system. Utilizing variant allele frequency, disease prevalence and penetrance estimates, and inheritance mode, an automated score was calculated to assess if this variant is too frequent to cause the disease. Based on the score and internal cut-off values, a variant classified as benign is not then subjected to further curation. The score for this variant resulted in a classification of benign for this disease.

Breakthrough Genomics
Classification: Benign. Review status: criteria provided, single submitter. Criteria: ACMG Guidelines, 2015. Collection method: not provided. Allele origin: germline. Inheritance: Autosomal recessive inheritance. Affected: yes.

Dr. Peter K. Rogan Lab, Western University
No classification provided (evidence only). Condition: Lung cancer. Review status: no classification provided. Collection method: in vitro. Allele origin: not applicable. Functional consequence: retained intron. Not counted in ClinVar's aggregate classification.

Dr. Peter K. Rogan Lab, Western University
No classification provided (evidence only). Condition: Uterine corpus endometrial carcinoma. Review status: no classification provided. Collection method: in vitro. Allele origin: not applicable. Functional consequence: retained intron. Not counted in ClinVar's aggregate classification.

Dr. Peter K. Rogan Lab, Western University
No classification provided (evidence only). Condition: Cervical cancer. Review status: no classification provided. Collection method: in vitro. Allele origin: not applicable. Functional consequence: retained intron. Not counted in ClinVar's aggregate classification.

Dr. Peter K. Rogan Lab, Western University
No classification provided (evidence only). Condition: Cervical cancer. Review status: no classification provided. Collection method: in vitro. Allele origin: not applicable. Functional consequence: retained intron. Not counted in ClinVar's aggregate classification.

Dr. Peter K. Rogan Lab, Western University
No classification provided (evidence only). Condition: Ovarian serous cystadenocarcinoma. Review status: no classification provided. Collection method: in vitro. Allele origin: not applicable. Functional consequence: retained intron. Not counted in ClinVar's aggregate classification.

Dr. Peter K. Rogan Lab, Western University
No classification provided (evidence only). Condition: Malignant tumor of esophagus. Review status: no classification provided. Collection method: in vitro. Allele origin: not applicable. Functional consequence: retained intron. Not counted in ClinVar's aggregate classification.

Dr. Peter K. Rogan Lab, Western University
No classification provided (evidence only). Condition: Malignant tumor of esophagus. Review status: no classification provided. Collection method: in vitro. Allele origin: not applicable. Functional consequence: retained intron. Not counted in ClinVar's aggregate classification.

Dr. Peter K. Rogan Lab, Western University
No classification provided (evidence only). Condition: Malignant tumor of esophagus. Review status: no classification provided. Collection method: in vitro. Allele origin: not applicable. Functional consequence: retained intron. Not counted in ClinVar's aggregate classification.

NM_001297.5(CNGB1):c.1373-11C>A

Gene: CNGB1 (cyclic nucleotide gated channel subunit beta 1; minus strand). Cytogenetic location: 16q21.
Variant type: single nucleotide variant.
Coding change: c.1373-11C>A on transcript NM_001297.5 (MANE Select); 11 bases into the intron before coding-DNA position 1373, C replaced by A.
Molecular consequence: intron variant.
Genome position (GRCh38, 1-based): chr16:57,931,889, G>T on the plus strand (C>A on the coding strand, the complement: CNGB1 is on the minus strand). VCF-style: chr16-57931889-G-T. GRCh37 (hg19) VCF-style: chr16-57965793-G-T.
Other names: c.1355-11C>A (NM_001286130.2).
Identifiers: ClinVar variation 320096 (VCV000320096.15), dbSNP rs2303782, ClinGen allele CA8083444.
Genomic context (GRCh38, chr16:57,931,889, plus strand): 5'-AGCATCAGTATCTTCCACCTGCACTTCTGGGTGCTGTTTCGTGGCAGGCACTGGGGGAGA[G>T]GAAGGAGAGGAGAAAGTCAGAGAGAGACAAAAGCTGGGTCCCAGGAGTCCAGCTGTGTTC-3'